The following is an entry in ClinVar:

ClinVar aggregate classification (germline): Benign. Review status: criteria provided, multiple submitters, no conflicts (2 of 4 stars). 6 submissions from 6 submitters: Benign (6). Last evaluated 2026-02-01.

Conditions:
Rhizomelic chondrodysplasia punctata type 2 (RCDP2). Also called: DIHYDROXYACETONEPHOSPHATE ACYLTRANSFERASE DEFICIENCY; glyceronephosphate O-acyltransferase (GNPAT) deficiency; Glyceronephosphate O-acyltransferase deficiency; DHAPAT DEFICIENCY; PEROXISOMAL DIHYDROXYACETONEPHOSPHATE ACYLTRANSFERASE DEFICIENCY; Chondrodysplasia punctata, rhizomelic, due to dihydroxyacetonephosphate acyltransferase deficiency. Identifiers: Orphanet 177, Orphanet 309796, MedGen C1857242, MONDO:0100273, OMIM 222765. Disease mechanism: loss of function.

Allele frequency attached by ClinVar (database versions not stated): TOPMed 0.01015; gnomAD 0.01020 and 0.00959; ESP Exome Variant Server 0.01023; 1000 Genomes Project 0.01238; gnomAD exomes 0.00113 and 0.00275; ExAC 0.00332; 1000 Genomes Project 30x 0.01296.
gnomAD v4.1: 3,163 of 1,610,468 alleles (0.2%); highest among the groups gnomAD compares: African/African-American, 3.2%; 52 homozygotes.

Submissions (12):

Labcorp Genetics (formerly Invitae), Labcorp
Classification: Benign. Last evaluated: 2026-02-01. Review status: criteria provided, single submitter. Criteria: Invitae Variant Classification Sherloc (09022015). Collection method: clinical testing. Allele origin: germline.

ARUP Laboratories, Molecular Genetics and Genomics, ARUP Laboratories
Classification: Benign for Rhizomelic chondrodysplasia punctata type 2. Last evaluated: 2023-05-04. Review status: criteria provided, single submitter. Criteria: ARUP Molecular Germline Variant Investigation Process 2024. Collection method: clinical testing. Allele origin: germline.

Illumina Laboratory Services, Illumina
Classification: Benign for Rhizomelic chondrodysplasia punctata type 2. Last evaluated: 2018-01-13. Review status: criteria provided, single submitter. Criteria: ICSL Variant Classification Criteria 13 December 2019. Collection method: clinical testing. Allele origin: germline.
Comment: This variant was observed in the ICSL laboratory as part of a predisposition screen in an ostensibly healthy population. It had not been previously curated by ICSL or reported in the Human Gene Mutation Database (HGMD: prior to June 1st, 2018), and was therefore a candidate for classification through an automated scoring system. Utilizing variant allele frequency, disease prevalence and penetrance estimates, and inheritance mode, an automated score was calculated to assess if this variant is too frequent to cause the disease. Based on the score and internal cut-off values, a variant classified as benign is not then subjected to further curation. The score for this variant resulted in a classification of benign for this disease.

GeneDx
Classification: Benign. Last evaluated: 2017-11-27. Review status: criteria provided, single submitter. Criteria: GeneDx Variant Classification (06012015). Collection method: clinical testing. Allele origin: germline. Affected: yes.
Comment: This variant is considered likely benign or benign based on one or more of the following criteria: it is a conservative change, it occurs at a poorly conserved position in the protein, it is predicted to be benign by multiple in silico algorithms, and/or has population frequency not consistent with disease.

Breakthrough Genomics
Classification: Benign. Review status: criteria provided, single submitter. Criteria: ACMG Guidelines, 2015. Collection method: not provided. Allele origin: germline. Inheritance: Autosomal recessive inheritance. Affected: yes.

PreventionGenetics, part of Exact Sciences
Classification: Benign. Review status: criteria provided, single submitter. Criteria: ACMG Guidelines, 2015. Collection method: clinical testing. Allele origin: germline.

Dr. Peter K. Rogan Lab, Western University
No classification provided (evidence only). Condition: Clear cell carcinoma of kidney. Review status: no classification provided. Collection method: in vitro. Allele origin: not applicable. Functional consequence: retained intron. Not counted in ClinVar's aggregate classification.

Dr. Peter K. Rogan Lab, Western University
No classification provided (evidence only). Condition: Clear cell carcinoma of kidney. Review status: no classification provided. Collection method: in vitro. Allele origin: not applicable. Functional consequence: skipped exon. Not counted in ClinVar's aggregate classification.

Dr. Peter K. Rogan Lab, Western University
No classification provided (evidence only). Condition: Lung cancer. Review status: no classification provided. Collection method: in vitro. Allele origin: not applicable. Functional consequence: skipped exon. Not counted in ClinVar's aggregate classification.

Dr. Peter K. Rogan Lab, Western University
No classification provided (evidence only). Condition: Uterine corpus endometrial carcinoma. Review status: no classification provided. Collection method: in vitro. Allele origin: not applicable. Functional consequence: retained intron. Not counted in ClinVar's aggregate classification.

Dr. Peter K. Rogan Lab, Western University
No classification provided (evidence only). Condition: Uterine corpus endometrial carcinoma. Review status: no classification provided. Collection method: in vitro. Allele origin: not applicable. Functional consequence: retained intron. Not counted in ClinVar's aggregate classification.

Dr. Peter K. Rogan Lab, Western University
No classification provided (evidence only). Condition: Hepatocellular carcinoma. Review status: no classification provided. Collection method: in vitro. Allele origin: not applicable. Functional consequence: skipped exon. Not counted in ClinVar's aggregate classification.

NM_014236.4(GNPAT):c.525A>G (p.Leu175=)

Gene: GNPAT (glyceronephosphate O-acyltransferase; plus strand). Cytogenetic location: 1q42.2.
Variant type: single nucleotide variant.
Coding change: c.525A>G on transcript NM_014236.4 (MANE Select); coding-DNA position 525, A replaced by G.
Protein change: p.Leu175=; no amino-acid change (leucine 175 retained).
Molecular consequence: synonymous variant.
Genome position (GRCh38, 1-based): chr1:231,262,809, A>G. VCF-style: chr1-231262809-A-G. GRCh37 (hg19) VCF-style: chr1-231398555-A-G.
Other names: c.342A>G, p.Leu114= (NM_001316350.2).
Identifiers: ClinVar variation 260362 (VCV000260362.18), dbSNP rs6659098, ClinGen allele CA1451810.